The following is an entry in ClinVar:

ClinVar aggregate classification (germline): Likely pathogenic (1 of 4 stars; one submission).

Conditions:
Hereditary cancer-predisposing syndrome. Also called: Hereditary neoplastic syndrome; Hereditary Cancer Syndrome; Neoplastic Syndromes, Hereditary; Tumor predisposition. Identifiers: Orphanet 140162, MedGen C0027672, MeSH D009386, MONDO:0015356.

Submission:

Ambry Genetics
Classification: Likely pathogenic for Hereditary cancer-predisposing syndrome. Last evaluated: 2023-04-04. Review status: criteria provided, single submitter. Criteria: Ambry Variant Classification Scheme 2023. Collection method: clinical testing. Allele origin: germline.
Comment: The c.3240delA variant, located in coding exon 12 of the PALB2 gene, results from a deletion of one nucleotide at nucleotide position 3240, causing a translational frameshift with a predicted alternate stop codon (p.E1081Rfs*14). This alteration occurs at the 3' terminus of thePALB2 gene, is not expected to trigger nonsense-mediated mRNA decay, and only impacts the last 106 amino acids of the protein. However, premature stop codons are typically deleterious in nature, and these 3' amino acids are part of the functionally critical WD40 domain that is necessary for PALB2 function, stability, and interaction with BRCA2 (Oliver AW et al. EMBO Rep., 2009 Sep;10:990-6). Based on the majority of available evidence to date, this variant is likely to be pathogenic.

NM_024675.4(PALB2):c.3240del (p.Glu1081fs)

Gene: PALB2 (partner and localizer of BRCA2; minus strand). Cytogenetic location: 16p12.2.
Variant type: Deletion.
Coding change: c.3240del on transcript NM_024675.4 (MANE Select); coding-DNA position 3240, one base deleted (A; older notation c.3240delA).
Protein change: p.Glu1081fs; shifts the reading frame from glutamic acid 1081.
Molecular consequence: frameshift variant. On other transcripts: intron variant (8).
Genome position (GRCh38, 1-based): chr16:23,607,974, T deleted on the plus strand (A on the coding strand, the reverse complement: PALB2 is on the minus strand); the first of 3 consecutive T bases (chr16:23,607,974-23,607,976); deleting any one gives the same sequence. VCF-style (leftmost placement, unchanged base first): chr16-23607973-CT-C. GRCh37 (hg19) VCF-style: chr16-23619294-CT-C.
Other names: c.3180del, p.Glu1061fs (NM_001407296.1); c.3168del, p.Glu1057fs (NM_001407297.1); c.3078del, p.Glu1027fs (NM_001407298.1); c.2961del, p.Glu988fs (NM_001407300.1); c.2355del, p.Glu786fs (NM_001407304.1, NM_001407305.1, NM_001407306.1); c.2193del, p.Glu732fs (NM_001407307.1); c.1452del, p.Glu485fs (NM_001407312.1); c.774del, p.Glu259fs (NM_001407314.1); and 7 more; short protein forms E1061fs, E732fs, E1027fs, E259fs, E988fs, E1057fs, E485fs, E1081fs.
Identifiers: ClinVar variation 2567561 (VCV002567561.2), dbSNP rs879254060, ClinGen allele CA2575946236.
Genomic context (GRCh38, chr16:23,607,973, plus strand): 5'-GAGTCGTCTTAGGGTTAATCACAATGAGCTGAAACACAGGGCTTCGCAACGACTCACTCT[CT>C]TTGGCACAGGGATGACTCAGGACAATAAAGAGAAGCCCCTAATTTCGGAGAAAAATAAAT-3'